The following is an entry in ClinVar:

NM_144585.4(SLC22A12):c.580C>T (p.Pro194Ser)

Gene: SLC22A12 (solute carrier family 22 member 12; plus strand). Cytogenetic location: 11q13.1.
Variant type: single nucleotide variant.
Coding change: c.580C>T on transcript NM_144585.4 (MANE Select); coding-DNA position 580, C replaced by T.
Protein change: p.Pro194Ser; replaces proline 194 with serine.
Molecular consequence: missense variant. On other transcripts: intron variant (3).
Genome position (GRCh38, 1-based): chr11:64,593,478, C>T. VCF-style: chr11-64593478-C-T. GRCh37 (hg19) VCF-style: chr11-64360950-C-T.
Other names: c.559+21C>T (NM_001276326.2); c.506+596C>T (NM_001276327.2); c.-2-157C>T (NM_153378.3); short protein forms P194S.
Identifiers: ClinVar variation 2113963 (VCV002113963.4), dbSNP rs2038986453, ClinGen allele CA381120768.

ClinVar aggregate classification (germline): Uncertain significance (1 of 4 stars; one submission).

Allele frequency attached by ClinVar (database versions not stated): gnomAD exomes below 0.00001.

Submission:

Labcorp Genetics (formerly Invitae), Labcorp
Classification: Uncertain significance. Last evaluated: 2023-12-07. Review status: criteria provided, single submitter. Criteria: Invitae Variant Classification Sherloc (09022015). Collection method: clinical testing. Allele origin: germline.
Comment: This sequence change replaces proline, which is neutral and non-polar, with serine, which is neutral and polar, at codon 194 of the SLC22A12 protein (p.Pro194Ser). This variant is not present in population databases (gnomAD no frequency). This variant has not been reported in the literature in individuals affected with SLC22A12-related conditions. ClinVar contains an entry for this variant (Variation ID: 2113963). An algorithm developed to predict the effect of missense changes on protein structure and function (PolyPhen-2) suggests that this variant is likely to be disruptive. In summary, the available evidence is currently insufficient to determine the role of this variant in disease. Therefore, it has been classified as a Variant of Uncertain Significance.